The following is an entry in ClinVar:

ClinVar aggregate classification (germline): Uncertain significance (1 of 4 stars; one submission).

Conditions:
Cardiovascular phenotype. Identifiers: MedGen CN230736.

Submission:

Ambry Genetics
Classification: Uncertain significance for Cardiovascular phenotype. Last evaluated: 2026-02-06. Review status: criteria provided, single submitter. Criteria: Ambry Variant Classification Scheme 2023. Collection method: clinical testing. Allele origin: germline.
Comment: The c.1543+2dupT intronic variant is located 2 nucleotide(s) after coding exon 11 in the VCL gene. This variant results from a duplication of 1 nucleotide at position c.1543+2. This variant does not change the sequence of the canonical donor at this splice site. This nucleotide position is highly conserved in available vertebrate species. In silico splice site analysis predicts that this alteration will weaken the native splice donor site. Based on the available evidence, the clinical significance of this variant remains unclear.

NM_014000.3(VCL):c.1543+2dup

Gene: VCL (vinculin; plus strand). Cytogenetic location: 10q22.2.
Variant type: Duplication.
Coding change: c.1543+2dup on transcript NM_014000.3 (MANE Select); the canonical splice donor site of the intron after coding-DNA position 1543, one base duplicated (T; older notation c.1543+2dupT).
Molecular consequence: splice donor variant.
Genome position (GRCh38, 1-based): chr10:74,094,463, T duplicated. VCF-style (leftmost placement, unchanged base first): chr10-74094462-G-GT. GRCh37 (hg19) VCF-style: chr10-75854220-G-GT.
Other names: c.1543+2dup (NM_003373.4).
Identifiers: ClinVar variation 1774883 (VCV001774883.4), dbSNP rs2549225467, ClinGen allele CA2580081968.
Genomic context (GRCh38, chr10:74,094,462, plus strand): 5'-GCAAGATTGAGCAAGCACAGCGGTGGATTGATAATCCCACAGTGGATGACCGTGGAGTCG[G>GT]TAAGGGCAGCAGTGCACTATAACCTCATTAAATTGGTCTCAGTGCAAATAAGCAAGTTGT-3'